The following is an entry in ClinVar:

NM_001127898.4(CLCN5):c.1261C>T (p.Gln421Ter)

Gene: CLCN5 (Cl-/H+ antiporter 5; plus strand). Cytogenetic location: Xp11.23.
Variant type: single nucleotide variant.
Coding change: c.1261C>T on transcript NM_001127898.4 (MANE Select); coding-DNA position 1261, C replaced by T.
Protein change: p.Gln421Ter; replaces glutamine 421 with a stop codon.
Molecular consequence: nonsense.
Genome position (GRCh38, 1-based): chrX:50,086,574, C>T. VCF-style: chrX-50086574-C-T. GRCh37 (hg19) VCF-style: chrX-49851231-C-T.
Other names: c.1051C>T, p.Gln351Ter (NM_000084.5); c.1261C>T, p.Gln421Ter (NM_001127899.4); c.1111C>T, p.Gln371Ter (NM_001282163.2); short protein forms Q351*, Q371*, Q421*.
Identifiers: ClinVar variation 3068355 (VCV003068355.2), dbSNP rs2519434099, ClinGen allele CA413185537.

ClinVar aggregate classification (germline): Likely pathogenic. Review status: criteria provided, multiple submitters, no conflicts (2 of 4 stars). 2 submissions from 2 submitters: Likely pathogenic (2). Last evaluated 2023-05-31.

Conditions:
CLCN5-related disorder. Also called: CLCN5-related condition.
Dent disease type 1 (DENT1). Also called: NEPHROLITHIASIS 2; NEPHROLITHIASIS, HYPERCALCIURIC, X-LINKED. Identifiers: Orphanet 1652, Orphanet 93622, MedGen C1848336, MONDO:0010225, OMIM 300009.

Submissions (2):

MVZ Medizinische Genetik Mainz
Classification: Likely pathogenic for Dent disease type 1. Last evaluated: 2023-05-31. Review status: criteria provided, single submitter. Criteria: UK Practice Guidelines For Variant Classification V4 01 2020. Collection method: clinical testing. Allele origin: germline. Inheritance: X-linked dominant inheritance. Affected: yes. Observed: 1 variant allele.
Comment: ACMG Criteria: PVS1,PM2_SUP

Blueprint Genetics
Classification: Likely pathogenic for CLCN5-related disorders. Last evaluated: 2022-11-20. Review status: criteria provided, single submitter. Criteria: ACMG Guidelines, 2015. Collection method: clinical testing. Allele origin: germline. Affected: yes. Observed: 1 variant allele.